The following is an entry in ClinVar:

ClinVar aggregate classification (germline): Benign. Review status: criteria provided, single submitter (1 of 4 stars). 2 submissions from 2 submitters: Benign (1). 1 of the submissions does not count toward it. Last evaluated 2024-05-06.

Conditions:
PEX11B-related disorder. Also called: PEX11B-related condition.

Allele frequency attached by ClinVar (database versions not stated): 1000 Genomes Project 30x 0.00016; 1000 Genomes Project 0.00020; ExAC 0.00020.
gnomAD v4.1: 152 of 1,582,166 alleles (0.0096%); highest among the groups gnomAD compares: South Asian, 0.16%; 1 homozygote.

Submissions (2):

Blueprint Genetics
Classification: Benign. Last evaluated: 2024-05-06. Review status: criteria provided, single submitter. Criteria: ACMG Guidelines, 2015. Collection method: clinical testing. Allele origin: germline.

PreventionGenetics, part of Exact Sciences
Classification: Likely benign for PEX11B-related condition. Last evaluated: 2023-08-29. Review status: no assertion criteria provided. Collection method: clinical testing. Allele origin: germline. Not counted in ClinVar's aggregate classification.
Comment: This variant is classified as likely benign based on ACMG/AMP sequence variant interpretation guidelines (Richards et al. 2015 PMID: 25741868, with internal and published modifications).

NM_003846.3(PEX11B):c.*6C>T

Gene: PEX11B (peroxisomal biogenesis factor 11 beta; minus strand). Cytogenetic location: 1q21.1.
Variant type: single nucleotide variant.
Coding change: c.*6C>T on transcript NM_003846.3 (MANE Select); 6 bases downstream of the stop codon, C replaced by T.
Molecular consequence: 3 prime UTR variant. On other transcripts: non-coding transcript variant (3).
Genome position (GRCh38, 1-based): chr1:145,912,155, G>A on the plus strand (C>T on the coding strand, the complement: PEX11B is on the minus strand). VCF-style: chr1-145912155-G-A. GRCh37 (hg19) VCF-style: chr1-145522925-C-T.
Other names: c.*6C>T (NM_001184795.1).
Identifiers: ClinVar variation 3051869 (VCV003051869.3), dbSNP rs587636847, ClinGen allele CA1055666.